The following is an entry in ClinVar:

NM_006767.4(LZTR1):c.1873A>T (p.Ile625Leu)

Gene: LZTR1 (leucine zipper like post translational regulator 1; plus strand). Cytogenetic location: 22q11.21.
Variant type: single nucleotide variant.
Coding change: c.1873A>T on transcript NM_006767.4 (MANE Select); coding-DNA position 1873, A replaced by T.
Protein change: p.Ile625Leu; replaces isoleucine 625 with leucine.
Molecular consequence: missense variant.
Genome position (GRCh38, 1-based): chr22:20,994,957, A>T. VCF-style: chr22-20994957-A-T. GRCh37 (hg19) VCF-style: chr22-21349246-A-T.
Other names: short protein forms I625L.
Identifiers: ClinVar variation 3238156 (VCV003238156.1), dbSNP rs2518622513.
Genomic context (GRCh38, chr22:20,994,957, plus strand): 5'-GAGTCCCACTTCAACCAGGTGATCATGATGAAGGAGTTCGAGCGCCTCTCCTCTCCACTG[A>T]TAGTGGAGATTGTGCGGCGGAAGCAGCAGCCGCCCCCTCGCACTCCCTTGGACCAGCCAG-3'
Protein context (NP_006758.2, residues 615-635): KEFERLSSPL[Ile625Leu]VEIVRRKQQP

ClinVar aggregate classification (germline): Uncertain significance (1 of 4 stars; one submission).

Conditions:
Hereditary cancer-predisposing syndrome. Also called: Neoplastic Syndromes, Hereditary; Tumor predisposition; Hereditary neoplastic syndrome; Hereditary Cancer Syndrome. Identifiers: Orphanet 140162, MedGen C0027672, MeSH D009386, MONDO:0015356.
Cardiovascular phenotype. Identifiers: MedGen CN230736.

Submission:

Ambry Genetics
Classification: Uncertain significance for Cardiovascular phenotype; Hereditary cancer-predisposing syndrome. Last evaluated: 2023-12-21. Review status: criteria provided, single submitter. Criteria: Ambry Variant Classification Scheme 2023. Collection method: clinical testing. Allele origin: germline.
Comment: The p.I625L variant (also known as c.1873A>T), located in coding exon 16 of the LZTR1 gene, results from an A to T substitution at nucleotide position 1873. The isoleucine at codon 625 is replaced by leucine, an amino acid with highly similar properties. This amino acid position is conserved. In addition, this alteration is predicted to be tolerated by in silico analysis. Since supporting evidence is limited at this time, the clinical significance of this alteration remains unclear.